The following is an entry in ClinVar:

NM_004304.5(ALK):c.3731A>G (p.His1244Arg)

Gene: ALK (ALK receptor tyrosine kinase; minus strand). Cytogenetic location: 2p23.2.
Variant type: single nucleotide variant.
Coding change: c.3731A>G on transcript NM_004304.5 (MANE Select); coding-DNA position 3731, A replaced by G.
Protein change: p.His1244Arg; replaces histidine 1244 with arginine.
Molecular consequence: missense variant.
Genome position (GRCh38, 1-based): chr2:29,213,996, T>C on the plus strand (A>G on the coding strand, the complement: ALK is on the minus strand). VCF-style: chr2-29213996-T-C. GRCh37 (hg19) VCF-style: chr2-29436862-T-C.
Other names: c.527A>G, p.His176Arg (NM_001353765.2); short protein forms H1244R, H176R.
Identifiers: ClinVar variation 470841 (VCV000470841.6), dbSNP rs1553392309, ClinGen allele CA346471175.

ClinVar aggregate classification (germline): Uncertain significance (1 of 4 stars; one submission).

Conditions:
Neuroblastoma, susceptibility to, 3. Also called: ALK-Related Neuroblastic Tumor Susceptibility. Identifiers: Orphanet 635, MedGen C2751681, MONDO:0013083, OMIM 613014.

Submission:

Labcorp Genetics (formerly Invitae), Labcorp
Classification: Uncertain significance for Neuroblastoma, susceptibility to, 3. Last evaluated: 2021-11-02. Review status: criteria provided, single submitter. Criteria: Invitae Variant Classification Sherloc (09022015). Collection method: clinical testing. Allele origin: germline.
Comment: In summary, the available evidence is currently insufficient to determine the role of this variant in disease. Therefore, it has been classified as a Variant of Uncertain Significance. Algorithms developed to predict the effect of missense changes on protein structure and function (SIFT, PolyPhen-2, Align-GVGD) all suggest that this variant is likely to be disruptive. ClinVar contains an entry for this variant (Variation ID: 470841). This variant has not been reported in the literature in individuals affected with ALK-related conditions. This variant is not present in population databases (gnomAD no frequency). This sequence change replaces histidine, which is basic and polar, with arginine, which is basic and polar, at codon 1244 of the ALK protein (p.His1244Arg).